The following is an entry in ClinVar:

ClinVar aggregate classification (germline): Uncertain significance (1 of 4 stars; one submission).

Submission:

Ambry Genetics
Classification: Uncertain significance. Last evaluated: 2025-05-19. Review status: criteria provided, single submitter. Criteria: Ambry Variant Classification Scheme 2023. Collection method: clinical testing. Allele origin: germline.
Comment: The p.P165T variant (also known as c.493C>A), located in coding exon 1 of the WNK2 gene, results from a C to A substitution at nucleotide position 493. The proline at codon 165 is replaced by threonine, an amino acid with highly similar properties. This amino acid position is conserved. In addition, this alteration is predicted to be tolerated by in silico analysis. Based on the available evidence, the clinical significance of this variant remains unclear.

NM_006648.4(WNK2):c.493C>A (p.Pro165Thr)

Gene: WNK2 (WNK lysine deficient protein kinase 2; plus strand). Cytogenetic location: 9q22.31.
Variant type: single nucleotide variant.
Coding change: c.493C>A on transcript NM_006648.4 (MANE Select); coding-DNA position 493, C replaced by A.
Protein change: p.Pro165Thr; replaces proline 165 with threonine.
Molecular consequence: missense variant.
Genome position (GRCh38, 1-based): chr9:93,185,422, C>A. VCF-style: chr9-93185422-C-A. GRCh37 (hg19) VCF-style: chr9-95947704-C-A.
Other names: c.493C>A, p.Pro165Thr (NM_001282394.3); short protein forms P165T.
Identifiers: ClinVar variation 3982075 (VCV003982075.1).